The following is an entry in ClinVar:

ClinVar aggregate classification (germline): Uncertain significance. Review status: criteria provided, multiple submitters, no conflicts (2 of 4 stars). 2 submissions from 2 submitters: Uncertain significance (2). Last evaluated 2025-10-03.

Allele frequency attached by ClinVar (database versions not stated): gnomAD exomes 0.00003; TOPMed 0.00003; ExAC 0.00004; gnomAD 0.00010; ESP Exome Variant Server 0.00016.

Submissions (2):

Labcorp Genetics (formerly Invitae), Labcorp
Classification: Uncertain significance. Last evaluated: 2025-10-03. Review status: criteria provided, single submitter. Criteria: Invitae Variant Classification Sherloc (09022015). Collection method: clinical testing. Allele origin: germline.
Comment: This sequence change creates a premature translational stop signal (p.Gly385*) in the ATRIP gene. It is expected to result in an absent or disrupted protein product. However, the current clinical and genetic evidence is not sufficient to establish whether loss-of-function variants in ATRIP cause disease. This variant is present in population databases (rs753154444, gnomAD 0.01%). This variant has not been reported in the literature in individuals affected with ATRIP-related conditions. ClinVar contains an entry for this variant (Variation ID: 2416474). In summary, the available evidence is currently insufficient to determine the role of this variant in disease. Therefore, it has been classified as a Variant of Uncertain Significance.

Ambry Genetics
Classification: Uncertain significance. Last evaluated: 2025-01-14. Review status: criteria provided, single submitter. Criteria: Ambry Variant Classification Scheme 2023. Collection method: clinical testing. Allele origin: germline.
Comment: The c.1152_1155delTGGA variant, located in coding exon 8 of the ATRIP gene, results from a deletion of 4 nucleotides at nucleotide positions 1152 to 1155, causing a translational frameshift with a predicted alternate stop codon (p.G385*). This alteration is expected to result in loss of function by premature protein truncation or nonsense-mediated mRNA decay. The evidence for this gene-disease relationship is limited; therefore, the clinical significance of this alteration is unclear.

NM_130384.3(ATRIP):c.1152_1155del (p.Thr384_Gly385insTer)

Genes: ATRIP (ATR interacting protein; plus strand), ATRIP-TREX1 (ATRIP-TREX1 readthrough; plus strand). Cytogenetic location: 3p21.31.
Variant type: Deletion.
Coding change: c.1152_1155del on transcript NM_130384.3 (MANE Select); coding-DNA positions 1152 to 1155, 4 bases deleted (TGGA; older notation c.1152_1155delTGGA).
Protein change: p.Thr384_Gly385insTer.
Molecular consequence: frameshift variant. On other transcripts: non-coding transcript variant (1).
Genome position (GRCh38, 1-based): chr3:48,460,206-48,460,209, TGGA deleted. VCF-style (leftmost placement, unchanged base first): chr3-48460205-CTGGA-C. GRCh37 (hg19) VCF-style: chr3-48501604-CTGGA-C.
Other names: c.771_774del, p.Thr257_Gly258insTer (NM_001271022.2); c.873_876del, p.Thr291_Gly292insTer (NM_001271023.2); c.1152_1155del, p.Thr384_Gly385insTer (NM_032166.4); c.1152_1155delTGGA (NM_130384.1).
Identifiers: ClinVar variation 2416474 (VCV002416474.7), dbSNP rs753154444, ClinGen allele CA2376155.
Genomic context (GRCh38, chr3:48,460,205, plus strand): 5'-GTTCTTATGATGGGTCATTTTCCCTCTCAGCCCTGAGAGAAGCACAGAACCTGGCATTCA[CTGGA>C]CTGAATCTGGTTGCCCGGAATGAGTGCTCACGTGATGGAGACCCAGCAGAGGGAGGCAGA-3'